The following is an entry in ClinVar:

ClinVar aggregate classification (germline): Pathogenic (1 of 4 stars; one submission).

Conditions:
Hereditary breast ovarian cancer syndrome. Also called: BRCA1- and BRCA2-Associated Hereditary Breast and Ovarian Cancer; Hereditary breast and ovarian cancer syndrome; Hereditary breast and ovarian cancer syndrome (HBOC); Hereditary breast and/or ovarian cancer syndrome; Breast and ovarian cancer; Hereditary breast and ovarian cancer. Identifiers: Orphanet 145, MedGen C0677776, MeSH D061325, MONDO:0003582. Disease mechanism: loss of function.

Submission:

Labcorp Genetics (formerly Invitae), Labcorp
Classification: Pathogenic for Hereditary breast ovarian cancer syndrome. Last evaluated: 2023-07-14. Review status: criteria provided, single submitter. Criteria: Invitae Variant Classification Sherloc (09022015). Collection method: clinical testing. Allele origin: germline.
Comment: For these reasons, this variant has been classified as Pathogenic. This variant has not been reported in the literature in individuals affected with BRCA1-related conditions. This variant is not present in population databases (gnomAD no frequency). This sequence change creates a premature translational stop signal (p.His1105Glnfs*4) in the BRCA1 gene. It is expected to result in an absent or disrupted protein product. Loss-of-function variants in BRCA1 are known to be pathogenic (PMID: 20104584).

Literature cited by the submitters: PubMed 20104584.

NM_007294.4(BRCA1):c.3311_3314dup (p.His1105fs)

Genes: BRCA1 (BRCA1 DNA repair associated; minus strand), LOC126862571 (BRD4-independent group 4 enhancer GRCh37_chr17:41243136-41244335; plus strand). Cytogenetic location: 17q21.31.
Variant type: Duplication.
Coding change: c.3311_3314dup on transcript NM_007294.4 (MANE Select); coding-DNA positions 3311 to 3314, 4 bases duplicated (AGCA; older notation c.3311_3314dupAGCA).
Protein change: p.His1105fs; shifts the reading frame from histidine 1105.
Molecular consequence: frameshift variant. On other transcripts: intron variant (137).
Genome position (GRCh38, 1-based): chr17:43,092,217-43,092,220, TGCT duplicated on the plus strand (AGCA on the coding strand, the reverse complement: BRCA1 is on the minus strand); duplicating any 4 consecutive bases within chr17:43,092,217-43,092,221 gives the same sequence; the c. name uses the placement nearest the transcript's 3' end. VCF-style (leftmost placement, unchanged base first): chr17-43092216-A-ATGCT. GRCh37 (hg19) VCF-style: chr17-41244233-A-ATGCT.
Other names: c.3098_3101dup, p.His1034fs (NM_001407571.1, NM_001407853.1, NM_001407894.1 and 9 more transcripts); c.3311_3314dup, p.His1105fs (NM_001407581.1, NM_001407582.1, NM_001407583.1 and 30 more transcripts); c.3308_3311dup, p.His1104fs (NM_001407587.1, NM_001407590.1, NM_001407591.1 and 22 more transcripts); c.3302_3305dup, p.His1102fs (NM_001407646.1, NM_001407647.1); c.3188_3191dup, p.His1064fs (NM_001407648.1, NM_001407664.1, NM_001407665.1 and 19 more transcripts); c.3185_3188dup, p.His1063fs (NM_001407649.1, NM_001407670.1, NM_001407671.1 and 11 more transcripts); c.3233_3236dup, p.His1079fs (NM_001407653.1, NM_001407654.1, NM_001407655.1 and 4 more transcripts); c.3230_3233dup, p.His1078fs (NM_001407659.1, NM_001407660.1, NM_001407661.1 and 1 more transcripts); and 41 more; short protein forms H1017fs, H1035fs, H1057fs, H1063fs, H1079fs, H977fs, H993fs, H1038fs.
Identifiers: ClinVar variation 2742822 (VCV002742822.3), dbSNP rs2552154610, ClinGen allele CA2697559877.
Genomic context (GRCh38, chr17:43,092,216, plus strand): 5'-AGAGAAATCTGTATTAACAGTCTGAACTACTTCTTCATATTCTTGCTTTTTTATTTCAGG[A>ATGCT]TGCTTACAATTACTTCCAGGAAGACTTTGTTTATAGACCTCAGGTTGCAAAACCCCTAAT-3'